The following is an entry in ClinVar:

NM_000138.5(FBN1):c.1530G>T (p.Ser510=)

Gene: FBN1 (fibrillin 1; minus strand). Cytogenetic location: 15q21.1.
Variant type: single nucleotide variant.
Coding change: c.1530G>T on transcript NM_000138.5 (MANE Select); coding-DNA position 1530, G replaced by T.
Protein change: p.Ser510=; no amino-acid change (serine 510 retained).
Molecular consequence: synonymous variant.
Genome position (GRCh38, 1-based): chr15:48,513,607, C>A on the plus strand (G>T on the coding strand, the complement: FBN1 is on the minus strand). VCF-style: chr15-48513607-C-A. GRCh37 (hg19) VCF-style: chr15-48805804-C-A.
Identifiers: ClinVar variation 263696 (VCV000263696.15), dbSNP rs147511977, ClinGen allele CA044919.

ClinVar aggregate classification (germline): Benign/Likely benign. Review status: criteria provided, multiple submitters, no conflicts (2 of 4 stars). 5 submissions from 5 submitters: Benign (1); Likely benign (4). Last evaluated 2025-10-21.

Conditions:
Marfan syndrome (MFS). Also called: MARFAN SYNDROME, TYPE I; FBN1-Related Marfan Syndrome; Marfan syndrome, classic; Marfan syndrome type 1; Marfan's syndrome. Identifiers: Orphanet 284963, Orphanet 558, MedGen C0024796, MONDO:0007947, OMIM 154700.
Familial thoracic aortic aneurysm and aortic dissection (TAAD). Also called: Thoracic aortic aneurysms and dissections. Identifiers: Orphanet 91387, MedGen C4707243, MONDO:0019625.

Allele frequency attached by ClinVar (database versions not stated): TOPMed 0.00011.
gnomAD v4.1: 37 of 1,613,856 alleles (0.0023%); highest among the groups gnomAD compares: African/African-American, 0.047%; no homozygotes.

Submissions (5):

Labcorp Genetics (formerly Invitae), Labcorp
Classification: Likely benign for Marfan syndrome; Familial thoracic aortic aneurysm and aortic dissection. Last evaluated: 2025-10-21. Review status: criteria provided, single submitter. Criteria: Invitae Variant Classification Sherloc (09022015). Collection method: clinical testing. Allele origin: germline.

Women's Health and Genetics/Laboratory Corporation of America, LabCorp
Classification: Likely benign. Last evaluated: 2023-08-15. Review status: criteria provided, single submitter. Criteria: LabCorp Variant Classification Summary - May 2015. Collection method: clinical testing. Allele origin: germline.

Ambry Genetics
Classification: Likely benign for Familial thoracic aortic aneurysm and aortic dissection. Last evaluated: 2022-05-30. Review status: criteria provided, single submitter. Criteria: Ambry Variant Classification Scheme 2023. Collection method: clinical testing. Allele origin: germline.

Color Diagnostics, LLC DBA Color Health
Classification: Likely benign for Familial thoracic aortic aneurysm and aortic dissection. Last evaluated: 2020-11-23. Review status: criteria provided, single submitter. Criteria: ACMG Guidelines, 2015. Collection method: clinical testing. Allele origin: germline.

GeneDx
Classification: Benign. Last evaluated: 2016-12-01. Review status: criteria provided, single submitter. Criteria: GeneDx Variant Classification (06012015). Collection method: clinical testing. Allele origin: germline. Affected: yes.
Comment: This variant is considered likely benign or benign based on one or more of the following criteria: it is a conservative change, it occurs at a poorly conserved position in the protein, it is predicted to be benign by multiple in silico algorithms, and/or has population frequency not consistent with disease.